The following is an entry in ClinVar:

NM_201599.3(ZMYM3):c.3712C>T (p.Arg1238Trp)

Gene: ZMYM3 (zinc finger MYM-type containing 3; minus strand). Cytogenetic location: Xq13.1.
Variant type: single nucleotide variant.
Coding change: c.3712C>T on transcript NM_201599.3 (MANE Select); coding-DNA position 3712, C replaced by T.
Protein change: p.Arg1238Trp; replaces arginine 1238 with tryptophan.
Molecular consequence: missense variant.
Genome position (GRCh38, 1-based): chrX:71,242,260, G>A on the plus strand (C>T on the coding strand, the complement: ZMYM3 is on the minus strand). VCF-style: chrX-71242260-G-A. GRCh37 (hg19) VCF-style: chrX-70462110-G-A.
Other names: c.3676C>T, p.Arg1226Trp (NM_001171162.1); c.3712C>T, p.Arg1238Trp (NM_005096.3); short protein forms R1226W, R1238W.
Identifiers: ClinVar variation 2501969 (VCV002501969.2), dbSNP rs2519811999, ClinGen allele CA413499873.

ClinVar aggregate classification (germline): Uncertain significance (1 of 4 stars; one submission).

Submission:

GeneDx
Classification: Uncertain significance. Last evaluated: 2026-09-14. Review status: criteria provided, single submitter. Criteria: GeneDx Variant Classification Process June 2021. Collection method: clinical testing. Allele origin: germline.
Comment: Not observed at significant frequency in large population cohorts (gnomAD); In silico analysis supports that this missense variant has a deleterious effect on protein structure/function; Has not been previously published as pathogenic or benign to our knowledge